The following is an entry in ClinVar:

NM_013266.4(CTNNA3):c.2401-23dup

Gene: CTNNA3 (catenin alpha 3; minus strand). Cytogenetic location: 10q21.3.
Variant type: Duplication.
Coding change: c.2401-23dup on transcript NM_013266.4 (MANE Select); 23 bases into the intron before coding-DNA position 2401, one base duplicated (T; older notation c.2401-23dupT).
Molecular consequence: intron variant.
Genome position (GRCh38, 1-based): chr10:65,920,635, A duplicated on the plus strand (T on the coding strand, the reverse complement: CTNNA3 is on the minus strand); the first of 6 consecutive A bases (chr10:65,920,635-65,920,640); duplicating any one gives the same sequence. VCF-style (leftmost placement, unchanged base first): chr10-65920634-G-GA. GRCh37 (hg19) VCF-style: chr10-67680392-G-GA.
Other names: c.2401-23dup (NM_001127384.3); c.2401-18dupT (NM_013266.4).
Identifiers: ClinVar variation 1284711 (VCV001284711.9), dbSNP rs1338241471, ClinGen allele CA594256391.

ClinVar aggregate classification (germline): Benign/Likely benign. Review status: criteria provided, multiple submitters, no conflicts (2 of 4 stars). 5 submissions from 5 submitters: Benign (1); Likely benign (1). 3 of the submissions do not count toward it. Last evaluated 2025-07-13.

Conditions:
Arrhythmogenic right ventricular dysplasia 13. Also called: ARRHYTHMOGENIC RIGHT VENTRICULAR CARDIOMYOPATHY 13; Arrhythmogenic right ventricular dysplasia, familial, 13. Identifiers: MedGen C3810138, MONDO:0000908, OMIM 615616.

Submissions (5):

Labcorp Genetics (formerly Invitae), Labcorp
Classification: Benign for Arrhythmogenic right ventricular dysplasia 13. Last evaluated: 2025-07-13. Review status: criteria provided, single submitter. Criteria: Invitae Variant Classification Sherloc (09022015). Collection method: clinical testing. Allele origin: germline.

Women's Health and Genetics/Laboratory Corporation of America, LabCorp
Classification: Likely benign. Last evaluated: 2025-03-31. Review status: criteria provided, single submitter. Criteria: LabCorp Variant Classification Summary - May 2015. Collection method: clinical testing. Allele origin: germline.
Comment: Variant summary: CTNNA3 c.2401-18dupT alters a conserved nucleotide located at a position not widely known to affect splicing. Consensus agreement among computation tools predict no significant impact on normal splicing. However, these predictions have yet to be confirmed by functional studies. The variant allele was found at a frequency of 3.3e-05 in 240982 control chromosomes. The available data on variant occurrences in the general population are insufficient to allow any conclusion about variant significance. To our knowledge, no occurrence of c.2401-18dupT in individuals affected with Arrhythmogenic Right Ventricular Dysplasia/Cardiomyopathy and no experimental evidence demonstrating its impact on protein function have been reported. ClinVar contains an entry for this variant (Variation ID: 1284711). Based on the evidence outlined above, the variant was classified as likely benign.

Clinical Genetics DNA and cytogenetics Diagnostics Lab, Erasmus MC, Erasmus Medical Center
Classification: Likely benign. Review status: no assertion criteria provided. Collection method: clinical testing. Allele origin: germline. Affected: yes. Study: VKGL Data-share Consensus. Not counted in ClinVar's aggregate classification.

Clinical Genetics, Academic Medical Center
Classification: Benign. Review status: no assertion criteria provided. Collection method: clinical testing. Allele origin: germline. Affected: yes. Study: VKGL Data-share Consensus. Not counted in ClinVar's aggregate classification.

Genome Diagnostics Laboratory, University Medical Center Utrecht
Classification: Likely benign. Review status: no assertion criteria provided. Collection method: clinical testing. Allele origin: germline. Affected: yes. Study: VKGL Data-share Consensus. Not counted in ClinVar's aggregate classification.